The following is an entry in ClinVar:

ClinVar aggregate classification (germline): Likely pathogenic (1 of 4 stars; one submission).

Conditions:
Lamb-Shaffer syndrome. Identifiers: Orphanet 313884, Orphanet 313892, Orphanet 530983, MedGen C4225202, MONDO:0014778, OMIM 616803.

Submission:

3billion
Classification: Likely pathogenic for Lamb-Shaffer syndrome. Last evaluated: 2023-02-23. Review status: criteria provided, single submitter. Criteria: ACMG Guidelines, 2015. Collection method: clinical testing. Allele origin: unknown. Affected: yes.
Comment: The variant is not observed in the gnomAD v2.1.1 dataset. This variant was predicted to result in a loss or disruption of normal protein function through nonsense-mediated decay (NMD) or protein truncation. Multiple pathogenic variants are reported downstream of the variant. Therefore, this variant is classified as Likely pathogenic according to the recommendation of ACMG/AMP guideline.

NM_006940.6(SOX5):c.721del (p.Ala241fs)

Gene: SOX5 (SRY-box transcription factor 5; minus strand). Cytogenetic location: 12p12.1.
Variant type: Deletion.
Coding change: c.721del on transcript NM_006940.6 (MANE Select); coding-DNA position 721, one base deleted (G; older notation c.721delG).
Protein change: p.Ala241fs; shifts the reading frame from alanine 241.
Molecular consequence: frameshift variant.
Genome position (GRCh38, 1-based): chr12:23,740,887, C deleted on the plus strand (G on the coding strand, the reverse complement: SOX5 is on the minus strand); the first of 2 consecutive C bases (chr12:23,740,887-23,740,888); deleting either gives the same sequence. VCF-style (leftmost placement, unchanged base first): chr12-23740886-GC-G. GRCh37 (hg19) VCF-style: chr12-23893820-GC-G.
Other names: c.682del, p.Ala228fs (NM_001261414.3, NM_152989.5); c.691del, p.Ala231fs (NM_001261415.3); c.616del, p.Ala206fs (NM_001330785.2); short protein forms A206fs, A228fs, A231fs, A241fs.
Identifiers: ClinVar variation 2444057 (VCV002444057.1), dbSNP rs2498146325, ClinGen allele CA2580085309.
Genomic context (GRCh38, chr12:23,740,886, plus strand): 5'-AATGTCTGAGGAATATGACTGCATCGCTAGTTCTTACTCACTTGTTCTTGTTGCTGCTTG[GC>G]CAGCTCCATTTGCTGACGCTGTTTCTCAATCTGAGAGGCAGCTAGTTTCTTCTGCTCATC-3'